The following is an entry in ClinVar:

ClinVar aggregate classification (germline): Uncertain significance (1 of 4 stars; one submission).

Conditions:
Familial adenomatous polyposis 1 (FAP1). Also called: FAMILIAL ADENOMATOUS POLYPOSIS 1, ATTENUATED; POLYPOSIS, ADENOMATOUS INTESTINAL. Identifiers: MedGen C2713442, MONDO:0021056, OMIM 175100. Disease mechanism: loss of function.

gnomAD v4.1: 1 of 1,614,088 alleles (0.000062%); highest among the groups gnomAD compares: Non-Finnish European, 0.000085%; no homozygotes.

Submission:

Labcorp Genetics (formerly Invitae), Labcorp
Classification: Uncertain significance for Familial adenomatous polyposis 1. Last evaluated: 2020-04-28. Review status: criteria provided, single submitter. Criteria: Invitae Variant Classification Sherloc (09022015). Collection method: clinical testing. Allele origin: germline.
Comment: In summary, the available evidence is currently insufficient to determine the role of this variant in disease. Therefore, it has been classified as a Variant of Uncertain Significance. Algorithms developed to predict the effect of missense changes on protein structure and function are either unavailable or do not agree on the potential impact of this missense change (SIFT: "Deleterious"; PolyPhen-2: "Possibly Damaging"; Align-GVGD: "Class C0"). This variant has not been reported in the literature in individuals with APC-related conditions. This variant is not present in population databases (ExAC no frequency). This sequence change replaces histidine with glutamine at codon 1086 of the APC protein (p.His1086Gln). The histidine residue is highly conserved and there is a small physicochemical difference between histidine and glutamine.

NM_000038.6(APC):c.3258C>G (p.His1086Gln)

Gene: APC (APC regulator of Wnt signaling pathway; plus strand). Cytogenetic location: 5q22.2.
Variant type: single nucleotide variant.
Coding change: c.3258C>G on transcript NM_000038.6 (MANE Select); coding-DNA position 3258, C replaced by G.
Protein change: p.His1086Gln; replaces histidine 1086 with glutamine.
Molecular consequence: missense variant.
Genome position (GRCh38, 1-based): chr5:112,838,852, C>G. VCF-style: chr5-112838852-C-G. GRCh37 (hg19) VCF-style: chr5-112174549-C-G.
Other names: c.3258C>G, p.His1086Gln (NM_001127510.3, NM_001354895.2); c.3204C>G, p.His1068Gln (NM_001127511.3); c.3312C>G, p.His1104Gln (NM_001354896.2); c.3288C>G, p.His1096Gln (NM_001354897.2); c.3183C>G, p.His1061Gln (NM_001354898.2); c.3174C>G, p.His1058Gln (NM_001354899.2); c.3135C>G, p.His1045Gln (NM_001354900.2); c.3081C>G, p.His1027Gln (NM_001354901.2); and 5 more; short protein forms H1027Q, H1045Q, H1058Q, H1061Q, H1068Q, H1086Q, H1096Q, H1104Q.
Identifiers: ClinVar variation 1026589 (VCV001026589.10), dbSNP rs778031876, ClinGen allele CA16028483.